The following is an entry in ClinVar:

NM_001388492.1(HTT):c.747+4del

Gene: HTT (huntingtin; plus strand). Cytogenetic location: 4p16.3.
Variant type: Deletion.
Coding change: c.747+4del on transcript NM_001388492.1 (MANE Select); 4 bases into the intron after coding-DNA position 747, one base deleted (T; older notation c.747+4delT).
Molecular consequence: intron variant.
Genome position (GRCh38, 1-based): chr4:3,107,427, T deleted. VCF-style (leftmost placement, unchanged base first): chr4-3107426-AT-A. GRCh37 (hg19) VCF-style: chr4-3109153-AT-A.
Other names: c.747+4del (NM_002111.8).
Identifiers: ClinVar variation 1356024 (VCV001356024.6), dbSNP rs2110163447, ClinGen allele CA2573137492.

ClinVar aggregate classification (germline): Uncertain significance (1 of 4 stars; one submission).

Submission:

Labcorp Genetics (formerly Invitae), Labcorp
Classification: Uncertain significance. Last evaluated: 2021-05-23. Review status: criteria provided, single submitter. Criteria: Invitae Variant Classification Sherloc (09022015). Collection method: clinical testing. Allele origin: germline.
Comment: Nucleotide substitutions within the consensus splice site are a relatively common cause of aberrant splicing (PMID: 17576681, 9536098). Experimental studies and prediction algorithms are not available or were not evaluated, and the effect of this variant on mRNA splicing is currently unknown. In summary, the available evidence is currently insufficient to determine the role of this variant in disease. Therefore, it has been classified as a Variant of Uncertain Significance. This variant has not been reported in the literature in individuals with HTT-related conditions. This variant is not present in population databases (ExAC no frequency). This sequence change falls in intron 6 of the HTT gene. It does not directly change the encoded amino acid sequence of the HTT protein. It affects a nucleotide within the consensus splice site of the intron.

Literature cited by the submitters: PubMed 17576681; PubMed 9536098.